The following is an entry in ClinVar:

NM_012233.3(RAB3GAP1):c.1750G>T (p.Glu584Ter)

Gene: RAB3GAP1 (RAB3 GTPase activating protein catalytic subunit 1; plus strand). Cytogenetic location: 2q21.3.
Variant type: single nucleotide variant.
Coding change: c.1750G>T on transcript NM_012233.3 (MANE Select); coding-DNA position 1750, G replaced by T.
Protein change: p.Glu584Ter; replaces glutamic acid 584 with a stop codon.
Molecular consequence: nonsense.
Genome position (GRCh38, 1-based): chr2:135,135,759, G>T. VCF-style: chr2-135135759-G-T. GRCh37 (hg19) VCF-style: chr2-135893329-G-T.
Other names: c.1750G>T, p.Glu584Ter (NM_001172435.2); short protein forms E584*.
Identifiers: ClinVar variation 3631697 (VCV003631697.2).

ClinVar aggregate classification (germline): Pathogenic (1 of 4 stars; one submission).

gnomAD v4.1: 3 of 1,613,930 alleles (0.00019%); highest among the groups gnomAD compares: African/African-American, 0.0027%; no homozygotes.

Submission:

Labcorp Genetics (formerly Invitae), Labcorp
Classification: Pathogenic. Last evaluated: 2024-04-12. Review status: criteria provided, single submitter. Criteria: Invitae Variant Classification Sherloc (09022015). Collection method: clinical testing. Allele origin: germline.
Comment: This sequence change creates a premature translational stop signal (p.Glu584*) in the RAB3GAP1 gene. It is expected to result in an absent or disrupted protein product. Loss-of-function variants in RAB3GAP1 are known to be pathogenic (PMID: 23420520). This variant is present in population databases (rs535429678, gnomAD 0.01%). This variant has not been reported in the literature in individuals affected with RAB3GAP1-related conditions. For these reasons, this variant has been classified as Pathogenic.

Literature cited by the submitters: PubMed 23420520.